The following is an entry in ClinVar:

NM_016599.5(MYOZ2):c.585T>A (p.Phe195Leu)

Gene: MYOZ2 (myozenin 2; plus strand). Cytogenetic location: 4q26.
Variant type: single nucleotide variant.
Coding change: c.585T>A on transcript NM_016599.5 (MANE Select); coding-DNA position 585, T replaced by A.
Protein change: p.Phe195Leu; replaces phenylalanine 195 with leucine.
Molecular consequence: missense variant.
Genome position (GRCh38, 1-based): chr4:119,185,990, T>A. VCF-style: chr4-119185990-T-A. GRCh37 (hg19) VCF-style: chr4-120107145-T-A.
Other names: short protein forms F195L.
Identifiers: ClinVar variation 3401995 (VCV003401995.1).

ClinVar aggregate classification (germline): Uncertain significance (1 of 4 stars; one submission).

Conditions:
Cardiovascular phenotype. Identifiers: MedGen CN230736.

gnomAD v4.1: 3 of 1,613,970 alleles (0.00019%); highest among the groups gnomAD compares: Non-Finnish European, 0.00025%; no homozygotes.

Submission:

Ambry Genetics
Classification: Uncertain significance for Cardiovascular phenotype. Last evaluated: 2024-07-01. Review status: criteria provided, single submitter. Criteria: Ambry Variant Classification Scheme 2023. Collection method: clinical testing. Allele origin: germline.
Comment: The p.F195L variant (also known as c.585T>A), located in coding exon 5 of the MYOZ2 gene, results from a T to A substitution at nucleotide position 585. The phenylalanine at codon 195 is replaced by leucine, an amino acid with highly similar properties. This amino acid position is highly conserved in available vertebrate species. In addition, the in silico prediction for this alteration is inconclusive. The evidence for this gene-disease relationship is limited; therefore, the clinical significance of this alteration is unclear.